The following is an entry in ClinVar:

ClinVar aggregate classification (germline): Uncertain significance (1 of 4 stars; one submission).

Conditions:
Aculeiform cataract (CTRCT4). Also called: Fasciculiform cataract; Frosted cataract; Needle-shaped cataract. Identifiers: MedGen C1861832, HP:0010926.

Submission:

Labcorp Genetics (formerly Invitae), Labcorp
Classification: Uncertain significance for Aculeiform cataract. Last evaluated: 2024-12-09. Review status: criteria provided, single submitter. Criteria: Invitae Variant Classification Sherloc (09022015). Collection method: clinical testing. Allele origin: germline.
Comment: This sequence change replaces glycine, which is neutral and non-polar, with arginine, which is basic and polar, at codon 2 of the CRYGD protein (p.Gly2Arg). This variant is not present in population databases (gnomAD no frequency). This variant has not been reported in the literature in individuals affected with CRYGD-related conditions. An algorithm developed to predict the effect of missense changes on protein structure and function (PolyPhen-2) suggests that this variant is likely to be disruptive. In summary, the available evidence is currently insufficient to determine the role of this variant in disease. Therefore, it has been classified as a Variant of Uncertain Significance.

NM_006891.4(CRYGD):c.4G>C (p.Gly2Arg)

Genes: CRYGD (crystallin gamma D; minus strand), LOC100507443 (uncharacterized LOC100507443; plus strand). Cytogenetic location: 2q33.3.
Variant type: single nucleotide variant.
Coding change: c.4G>C on transcript NM_006891.4 (MANE Select); coding-DNA position 4, G replaced by C.
Protein change: p.Gly2Arg; replaces glycine 2 with arginine.
Molecular consequence: missense variant.
Genome position (GRCh38, 1-based): chr2:208,124,470, C>G on the plus strand (G>C on the coding strand, the complement: CRYGD is on the minus strand). VCF-style: chr2-208124470-C-G. GRCh37 (hg19) VCF-style: chr2-208989194-C-G.
Other names: short protein forms G2R.
Identifiers: ClinVar variation 3714495 (VCV003714495.2).